The following is an entry in ClinVar:

ClinVar aggregate classification (germline): Uncertain significance. Review status: criteria provided, multiple submitters, no conflicts (2 of 4 stars). 2 submissions from 2 submitters: Uncertain significance (2). Last evaluated 2025-07-08.

Conditions:
Hypertrophic cardiomyopathy. Also called: HYPERTROPHIC MYOCARDIOPATHY. Identifiers: Orphanet 217569, MedGen C0007194, MeSH D002312, MONDO:0005045, HP:0001639.

Allele frequency attached by ClinVar (database versions not stated): ExAC 0.00001; gnomAD 0.00001; TOPMed 0.00002; gnomAD exomes 0.00003.
gnomAD v4.1: 36 of 1,612,454 alleles (0.0022%); highest among the groups gnomAD compares: Non-Finnish European, 0.0026%; no homozygotes.

Submissions (2):

Labcorp Genetics (formerly Invitae), Labcorp
Classification: Uncertain significance for Hypertrophic cardiomyopathy. Last evaluated: 2025-07-08. Review status: criteria provided, single submitter. Criteria: Invitae Variant Classification Sherloc (09022015). Collection method: clinical testing. Allele origin: germline.
Comment: This sequence change replaces asparagine, which is neutral and polar, with serine, which is neutral and polar, at codon 1091 of the MYOM1 protein (p.Asn1091Ser). This variant is present in population databases (rs771574423, gnomAD 0.008%). This variant has not been reported in the literature in individuals affected with MYOM1-related conditions. ClinVar contains an entry for this variant (Variation ID: 934564). Invitae Evidence Modeling of protein sequence and biophysical properties (such as structural, functional, and spatial information, amino acid conservation, physicochemical variation, residue mobility, and thermodynamic stability) indicates that this missense variant is expected to disrupt MYOM1 protein function with a positive predictive value of 80%. In summary, the available evidence is currently insufficient to determine the role of this variant in disease. Therefore, it has been classified as a Variant of Uncertain Significance.

Ambry Genetics
Classification: Uncertain significance. Last evaluated: 2023-03-16. Review status: criteria provided, single submitter. Criteria: Ambry Variant Classification Scheme 2023. Collection method: clinical testing. Allele origin: germline.
Comment: The p.N1091S variant (also known as c.3272A>G), located in coding exon 20 of the MYOM1 gene, results from an A to G substitution at nucleotide position 3272. The asparagine at codon 1091 is replaced by serine, an amino acid with highly similar properties. This amino acid position is conserved. In addition, this alteration is predicted to be tolerated by in silico analysis. Since supporting evidence is limited at this time, the clinical significance of this alteration remains unclear.

NM_003803.4(MYOM1):c.3272A>G (p.Asn1091Ser)

Gene: MYOM1 (myomesin 1; minus strand). Cytogenetic location: 18p11.31.
Variant type: single nucleotide variant.
Coding change: c.3272A>G on transcript NM_003803.4 (MANE Select); coding-DNA position 3272, A replaced by G.
Protein change: p.Asn1091Ser; replaces asparagine 1091 with serine.
Molecular consequence: missense variant.
Genome position (GRCh38, 1-based): chr18:3,116,362, T>C on the plus strand (A>G on the coding strand, the complement: MYOM1 is on the minus strand). VCF-style: chr18-3116362-T-C. GRCh37 (hg19) VCF-style: chr18-3116360-T-C.
Other names: c.2984A>G, p.Asn995Ser (NM_019856.2); short protein forms N1091S, N995S.
Identifiers: ClinVar variation 934564 (VCV000934564.11), dbSNP rs771574423, ClinGen allele CA8874370.